The following is an entry in ClinVar:

ClinVar aggregate classification (germline): Uncertain significance (1 of 4 stars; one submission).

Conditions:
Aminoacylase 1 deficiency. Also called: Neurological conditions associated with aminoacylase 1 deficiency. Identifiers: Orphanet 137754, MedGen C1835922, MONDO:0012368, OMIM 609924.

gnomAD v4.1: 1 of 1,613,488 alleles (0.000062%); highest among the groups gnomAD compares: Admixed American, 0.0017%; no homozygotes.

Submission:

Baylor Genetics
Classification: Uncertain significance for Aminoacylase 1 deficiency. Last evaluated: 2019-08-27. Review status: criteria provided, single submitter. Criteria: ACMG Guidelines, 2015. Collection method: clinical testing. Allele origin: unknown. Affected: yes.
Comment: This variant was determined to be of uncertain significance according to ACMG Guidelines, 2015 [PMID:25741868].

NM_000666.3(ACY1):c.19G>C (p.Glu7Gln)

Genes: ABHD14A-ACY1 (ABHD14A-ACY1 readthrough; plus strand), ACY1 (aminoacylase 1; plus strand). Cytogenetic location: 3p21.2.
Variant type: single nucleotide variant.
Coding change: c.19G>C on transcript NM_000666.3 (MANE Select); coding-DNA position 19, G replaced by C.
Protein change: p.Glu7Gln; replaces glutamic acid 7 with glutamine.
Molecular consequence: missense variant.
Genome position (GRCh38, 1-based): chr3:51,984,083, G>C. VCF-style: chr3-51984083-G-C. GRCh37 (hg19) VCF-style: chr3-52018099-G-C.
Other names: c.289G>C, p.Glu97Gln (NM_001316331.2); c.19G>C, p.Glu7Gln (NM_001198895.2, NM_001198896.2, NM_001198897.2 and 1 more transcripts); short protein forms E7Q, E97Q.
Identifiers: ClinVar variation 1029930 (VCV001029930.1), dbSNP rs953420417, ClinGen allele CA353084969.
Genomic context (GRCh38, chr3:51,984,083, plus strand): 5'-GTTAGCCATTCACTTTGCCCCCAGCTCACCACGCGCAGCGCCATGACCAGCAAGGGTCCC[G>C]AGGAGGAGCACCCATCGGTGACGCTCTTCCGCCAGTACCTGCGTATCCGCACTGTCCAGC-3'
Protein context (NP_000657.1, residues 1-17): MTSKGP[Glu7Gln]EEHPSVTLFR